The following is an entry in ClinVar:

NM_138927.4(SON):c.3931A>C (p.Thr1311Pro)

Gene: SON (SON DNA and RNA binding protein; plus strand). Cytogenetic location: 21q22.11.
Variant type: single nucleotide variant.
Coding change: c.3931A>C on transcript NM_138927.4 (MANE Select); coding-DNA position 3931, A replaced by C.
Protein change: p.Thr1311Pro; replaces threonine 1311 with proline.
Molecular consequence: missense variant. On other transcripts: non-coding transcript variant (1), intron variant (1).
Genome position (GRCh38, 1-based): chr21:33,553,162, A>C. VCF-style: chr21-33553162-A-C. GRCh37 (hg19) VCF-style: chr21-34925468-A-C.
Other names: c.3931A>C, p.Thr1311Pro (NM_001291411.2, NM_032195.3); c.245-3994A>C (NM_001291412.3); short protein forms T1311P.
Identifiers: ClinVar variation 3377306 (VCV003377306.1).

ClinVar aggregate classification (germline): Uncertain significance (1 of 4 stars; one submission).

Conditions:
ZTTK syndrome (ZTTKS). Also called: Zhu-Tokita-Takenouchi-Kim Syndrome; ZTTK MULTIPLE CONGENITAL ANOMALIES-MENTAL RETARDATION SYNDROME. Identifiers: Orphanet 500150, MedGen C4310696, MONDO:0014936, OMIM 617140.

Submission:

Victorian Clinical Genetics Services, Murdoch Childrens Research Institute
Classification: Uncertain significance for ZTTK syndrome. Last evaluated: 2024-10-09. Review status: criteria provided, single submitter. Criteria: ACMG Guidelines, 2015. Collection method: clinical testing. Allele origin: germline. Inheritance: Autosomal dominant inheritance. Affected: yes.
Comment: Based on the classification scheme VCGS_Germline_v1.3.4, this variant is classified as VUS-3A. Following criteria are met: 0102 - Loss of function is a known mechanism of disease in this gene and is associated with ZTTK syndrome (MIM#617140). (I) 0107 - This gene is associated with autosomal dominant disease. (I) 0200 - Variant is predicted to result in a missense amino acid change from threonine to proline. (I) 0251 - This variant is heterozygous. (I) 0301 - Variant is absent from gnomAD (both v2 and v3). (SP) 0309 - An alternative amino acid change at the same position has been observed in gnomAD (v3) (4 heterozygotes, 0 homozygotes). (I) 0503 - Missense variant consistently predicted to be tolerated by multiple in silico tools or not conserved in placental mammals with a minor amino acid change. (SB) 0604 - Variant is not located in an established domain, motif, hotspot or informative constraint region. (I) 0710 - Another missense variant comparable to the one identified in this case has inconclusive previous evidence for pathogenicity. An alternative change, p.(Thr1311Ile), has been classified as a VUS by a clinical laboratory in ClinVar. (I) 0807 - This variant has no previous evidence of pathogenicity. (I) 0905 - No published segregation evidence has been identified for this variant. (I) 1007 - No published functional evidence has been identified for this variant. (SP) Legend: (SP) - Supporting pathogenic, (I) - Information, (SB) - Supporting benign